The following is an entry in ClinVar:

NM_001042492.3(NF1):c.1558G>A (p.Gly520Ser)

Gene: NF1 (neurofibromin 1; plus strand). Cytogenetic location: 17q11.2.
Variant type: single nucleotide variant.
Coding change: c.1558G>A on transcript NM_001042492.3 (MANE Select); coding-DNA position 1558, G replaced by A.
Protein change: p.Gly520Ser; replaces glycine 520 with serine.
Molecular consequence: missense variant.
Genome position (GRCh38, 1-based): chr17:31,219,035, G>A. VCF-style: chr17-31219035-G-A. GRCh37 (hg19) VCF-style: chr17-29546053-G-A.
Other names: c.1558G>A, p.Gly520Ser (NM_000267.4, NM_001128147.3); short protein forms G520S.
Identifiers: ClinVar variation 4072782 (VCV004072782.1).

ClinVar aggregate classification (germline): Uncertain significance (1 of 4 stars; one submission).

Submission:

GeneDx
Classification: Uncertain significance. Last evaluated: 2025-01-31. Review status: criteria provided, single submitter. Criteria: GeneDx Variant Classification Process June 2021. Collection method: clinical testing. Allele origin: germline. Affected: yes.
Comment: Not observed at significant frequency in large population cohorts (gnomAD); In silico analysis indicates that this missense variant does not alter protein structure/function; Has not been previously published as pathogenic or benign to our knowledge